The following is an entry in ClinVar:

NM_001100.4(ACTA1):c.1004C>A (p.Pro335Gln)

Gene: ACTA1 (actin alpha 1, skeletal muscle; minus strand). Cytogenetic location: 1q42.13.
Variant type: single nucleotide variant.
Coding change: c.1004C>A on transcript NM_001100.4 (MANE Select); coding-DNA position 1004, C replaced by A.
Protein change: p.Pro335Gln; replaces proline 335 with glutamine.
Molecular consequence: missense variant.
Genome position (GRCh38, 1-based): chr1:229,431,629, G>T on the plus strand (C>A on the coding strand, the complement: ACTA1 is on the minus strand). VCF-style: chr1-229431629-G-T. GRCh37 (hg19) VCF-style: chr1-229567376-G-T.
Other names: short protein forms P335Q.
Identifiers: ClinVar variation 373580 (VCV000373580.1), dbSNP rs1057518493, ClinGen allele CA16042312.

ClinVar aggregate classification (germline): Likely pathogenic (1 of 4 stars; one submission).

Submission:

GeneDx
Classification: Likely pathogenic. Last evaluated: 2016-12-08. Review status: criteria provided, single submitter. Criteria: GeneDx Variant Classification (06012015). Collection method: clinical testing. Allele origin: germline. Affected: yes.
Comment: The P335Q variant in the ACTA1 gene has not been reported previously as a pathogenic variant, nor as a benign variant, to our knowledge. The P335Q variant was not observed in approximately 6500 individuals of European and African American ancestry in the NHLBI Exome Sequencing Project, indicating it is not a common benign variant in these populations. The P335Q variant is a non-conservative amino acid substitution, which is likely to impact secondary protein structure as these residues differ in polarity, charge, size and/or other properties. This substitution occurs at a position that is conserved across species. In silico analysis predicts this variant is probably damaging to the protein structure/function. Missense variants in nearby residues (P334S, P334R, E336K, E336A) have been reported in the Human Gene Mutation Database in association with congenital myopathies (Stenson et al., 2014), supporting the functional importance of this region of the protein. The P335Q variant is a strong candidate for a pathogenic variant, however the possibility it may be a rare benign variant cannot be excluded.